The following is an entry in ClinVar:

NM_022489.4(INF2):c.698T>C (p.Leu233Pro)

Gene: INF2 (inverted formin 2; plus strand). Cytogenetic location: 14q32.33.
Variant type: single nucleotide variant.
Coding change: c.698T>C on transcript NM_022489.4 (MANE Select); coding-DNA position 698, T replaced by C.
Protein change: p.Leu233Pro; replaces leucine 233 with proline.
Molecular consequence: missense variant.
Genome position (GRCh38, 1-based): chr14:104,703,946, T>C. VCF-style: chr14-104703946-T-C. GRCh37 (hg19) VCF-style: chr14-105170283-T-C.
Other names: c.698T>C, p.Leu233Pro (NM_001031714.4, NM_001426862.1, NM_001426863.1 and 6 more transcripts); short protein forms L233P.
Identifiers: ClinVar variation 3031506 (VCV003031506.2), dbSNP rs2504247119, ClinGen allele CA391213558.

ClinVar aggregate classification (germline): Likely pathogenic (0 of 4 stars; one submission).

Conditions:
INF2-related disorder. Also called: INF2-related condition.

Submission:

PreventionGenetics, part of Exact Sciences
Classification: Likely pathogenic for INF2-related condition. Last evaluated: 2024-07-02. Review status: no assertion criteria provided. Collection method: clinical testing. Allele origin: germline.
Comment: The INF2 c.698T>C variant is predicted to result in the amino acid substitution p.Leu233Pro. To our knowledge, this variant has not been reported in the literature or in a large population database, indicating this variant is rare. This variant is interpreted as likely pathogenic.